The following is an entry in ClinVar:

NM_173728.4(ARHGEF15):c.670A>G (p.Arg224Gly)

Gene: ARHGEF15 (Rho guanine nucleotide exchange factor 15; plus strand). Cytogenetic location: 17p13.1.
Variant type: single nucleotide variant.
Coding change: c.670A>G on transcript NM_173728.4 (MANE Select); coding-DNA position 670, A replaced by G.
Protein change: p.Arg224Gly; replaces arginine 224 with glycine.
Molecular consequence: missense variant.
Genome position (GRCh38, 1-based): chr17:8,312,990, A>G. VCF-style: chr17-8312990-A-G. GRCh37 (hg19) VCF-style: chr17-8216308-A-G.
Other names: c.670A>G, p.Arg224Gly (NM_025014.2); short protein forms R224G.
Identifiers: ClinVar variation 3643530 (VCV003643530.2).
Genomic context (GRCh38, chr17:8,312,990, plus strand): 5'-CTGGCCTGCCCTCCCTGCTGCCCCTGTGTCTGCCACACCACCCGGCCTGGCCTGGAGCTC[A>G]GATGGGTGCCTGTGGGGGGCTATGAGGAGGTCCCCAGGGTCCCCCGTCGGGCCTCCCCGC-3'
Protein context (NP_776089.2, residues 214-234): CHTTRPGLEL[Arg224Gly]WVPVGGYEEV

ClinVar aggregate classification (germline): Uncertain significance (1 of 4 stars; one submission).

Conditions:
Early-infantile DEE. Also called: Early infantile epileptic encephalopathy; Ohtahara syndrome; Early infantile epileptic encephalopathy with suppression bursts. Identifiers: Orphanet 1934, MedGen C0393706, MONDO:0800491.

Submission:

Labcorp Genetics (formerly Invitae), Labcorp
Classification: Uncertain significance for Early-infantile DEE. Last evaluated: 2024-02-27. Review status: criteria provided, single submitter. Criteria: Invitae Variant Classification Sherloc (09022015). Collection method: clinical testing. Allele origin: germline.
Comment: This sequence change replaces arginine, which is basic and polar, with glycine, which is neutral and non-polar, at codon 224 of the ARHGEF15 protein (p.Arg224Gly). This variant is not present in population databases (gnomAD no frequency). This variant has not been reported in the literature in individuals affected with ARHGEF15-related conditions. An algorithm developed to predict the effect of missense changes on protein structure and function (PolyPhen-2) suggests that this variant is likely to be tolerated. In summary, the available evidence is currently insufficient to determine the role of this variant in disease. Therefore, it has been classified as a Variant of Uncertain Significance.